The following is an entry in ClinVar:

ClinVar aggregate classification (germline): Likely pathogenic. Review status: criteria provided, single submitter (1 of 4 stars). 2 submissions from 2 submitters: Likely pathogenic (1). 1 of the submissions does not count toward it. Last evaluated 2024-09-24.

Conditions:
Cardiovascular phenotype. Identifiers: MedGen CN230736.
Familial long QT syndrome (RWS). Also called: Congenital long QT syndrome; Romano-Ward syndrome; VENTRICULAR FIBRILLATION WITH PROLONGED QT INTERVAL. Identifiers: Orphanet 768, MedGen C1141890, MONDO:0019171.

Submissions (2):

Ambry Genetics
Classification: Likely pathogenic for Cardiovascular phenotype. Last evaluated: 2024-09-24. Review status: criteria provided, single submitter. Criteria: Ambry Variant Classification Scheme 2023. Collection method: clinical testing. Allele origin: germline.
Comment: The p.A371T variant (also known as c.1111G>A), located in coding exon 8 of the KCNQ1 gene, results from a G to A substitution at nucleotide position 1111. The alanine at codon 371 is replaced by threonine, an amino acid with similar properties. This variant was reported in individuals with features consistent with long QT syndrome (Donger C et al. Circulation, 1997 Nov;96:2778-81; Mazzadi AN et al. Am J Physiol Heart Circ Physiol, 2003 Sep;285:H1286-93; Ambry internal data). Functional studies suggest this variant may impair channel function; however, additional evidence is needed to confirm this finding (Shamgar L et al. Circ Res, 2006 Apr;98:1055-63). This amino acid position is highly conserved in available vertebrate species. In addition, this alteration is predicted to be deleterious by in silico analysis. This variant is considered to be rare based on population cohorts in the Genome Aggregation Database (gnomAD). Based on the majority of available evidence to date, this variant is likely to be pathogenic.

Cardiovascular Biomedical Research Unit, Royal Brompton & Harefield NHS Foundation Trust
No classification provided. Condition: Familial long QT syndrome. Review status: no classification provided. Collection method: literature only. Allele origin: germline. Not counted in ClinVar's aggregate classification.
Comment: This variant has been reported as associated with Long QT syndrome in the following publications (PMID:9386136). This is a literature report, and does not necessarily reflect the clinical interpretation of the Imperial College / Royal Brompton Cardiovascular Genetics laboratory.

Literature cited by the submitters: PubMed 12775564 (cited by Ambry Genetics); PubMed 16556865 (cited by Ambry Genetics); PubMed 9386136 (cited by Ambry Genetics and Cardiovascular Biomedical Research Unit, Royal Brompton & Harefield NHS Foundation Trust); PubMed 22581653 (cited by Cardiovascular Biomedical Research Unit, Royal Brompton & Harefield NHS Foundation Trust).

NM_000218.3(KCNQ1):c.1111G>A (p.Ala371Thr)

Gene: KCNQ1 (potassium voltage-gated channel subfamily Q member 1; plus strand). Cytogenetic location: 11p15.5.
Variant type: single nucleotide variant.
Coding change: c.1111G>A on transcript NM_000218.3 (MANE Select); coding-DNA position 1111, G replaced by A.
Protein change: p.Ala371Thr; replaces alanine 371 with threonine.
Molecular consequence: missense variant.
Genome position (GRCh38, 1-based): chr11:2,585,290, G>A. VCF-style: chr11-2585290-G-A. GRCh37 (hg19) VCF-style: chr11-2606520-G-A.
Other names: c.1111G>A (LRG_287t1); c.841G>A, p.Ala281Thr (NM_001406837.1); c.730G>A, p.Ala244Thr (NM_181798.2); short protein forms A371T, A244T, A281T.
Identifiers: ClinVar variation 52959 (VCV000052959.4), dbSNP rs199473412, ClinGen allele CA005300.